The following is an entry in ClinVar:

ClinVar aggregate classification (germline): Uncertain significance (1 of 4 stars; one submission).

Conditions:
Parkinson disease 17 (PARK17). Also called: VPS35-Related Parkinson Disease. Identifiers: Orphanet 411602, MedGen C3280133, MONDO:0013625, OMIM 614203.

Submission:

Labcorp Genetics (formerly Invitae), Labcorp
Classification: Uncertain significance for Parkinson disease 17. Last evaluated: 2024-10-07. Review status: criteria provided, single submitter. Criteria: Invitae Variant Classification Sherloc (09022015). Collection method: clinical testing. Allele origin: germline.
Comment: This sequence change replaces valine, which is neutral and non-polar, with alanine, which is neutral and non-polar, at codon 444 of the VPS35 protein (p.Val444Ala). This variant is not present in population databases (gnomAD no frequency). This variant has not been reported in the literature in individuals affected with VPS35-related conditions. Invitae Evidence Modeling of protein sequence and biophysical properties (such as structural, functional, and spatial information, amino acid conservation, physicochemical variation, residue mobility, and thermodynamic stability) indicates that this missense variant is not expected to disrupt VPS35 protein function with a negative predictive value of 80%. In summary, the available evidence is currently insufficient to determine the role of this variant in disease. Therefore, it has been classified as a Variant of Uncertain Significance.

NM_018206.6(VPS35):c.1331T>C (p.Val444Ala)

Gene: VPS35 (VPS35 retromer complex component; minus strand). Cytogenetic location: 16q11.2.
Variant type: single nucleotide variant.
Coding change: c.1331T>C on transcript NM_018206.6 (MANE Select); coding-DNA position 1331, T replaced by C.
Protein change: p.Val444Ala; replaces valine 444 with alanine.
Molecular consequence: missense variant.
Genome position (GRCh38, 1-based): chr16:46,672,302, A>G on the plus strand (T>C on the coding strand, the complement: VPS35 is on the minus strand). VCF-style: chr16-46672302-A-G. GRCh37 (hg19) VCF-style: chr16-46706214-A-G.
Other names: short protein forms V444A.
Identifiers: ClinVar variation 2811607 (VCV002811607.3), dbSNP rs2548880025, ClinGen allele CA395807798.
Genomic context (GRCh38, chr16:46,672,302, plus strand): 5'-ATAGCACGTAGGTATTCTCTTACCTGGTCTTGAGAGACAATTTCTGTGTTATAATCCAGA[A>G]CATTACTAAGCACATAACAACTCATGCTCTTTCTGGACTCGTAGTCAAAGTACTCAAAGA-3'
Protein context (NP_060676.2, residues 434-454): KSMSCYVLSN[Val444Ala]LDYNTEIVSQ